The following is an entry in ClinVar:

NM_032737.4(LMNB2):c.557A>T (p.Lys186Met)

Gene: LMNB2 (lamin B2; minus strand). Cytogenetic location: 19p13.3.
Variant type: single nucleotide variant.
Coding change: c.557A>T on transcript NM_032737.4 (MANE Select); coding-DNA position 557, A replaced by T.
Protein change: p.Lys186Met; replaces lysine 186 with methionine.
Molecular consequence: missense variant.
Genome position (GRCh38, 1-based): chr19:2,438,376, T>A on the plus strand (A>T on the coding strand, the complement: LMNB2 is on the minus strand). VCF-style: chr19-2438376-T-A. GRCh37 (hg19) VCF-style: chr19-2438374-T-A.
Other names: short protein forms K186M.
Identifiers: ClinVar variation 1387321 (VCV001387321.6), dbSNP rs1331367506, ClinGen allele CA403257373.

ClinVar aggregate classification (germline): Uncertain significance (1 of 4 stars; one submission).

Conditions:
Progressive myoclonic epilepsy type 9. Identifiers: Orphanet 457265, MedGen C4225289, MONDO:0014685, OMIM 616540.
Lipodystrophy, partial, acquired, susceptibility to (APLD). Also called: APLD, SUSCEPTIBILITY TO. Identifiers: MedGen C3887501, MONDO:0100476, OMIM 608709.

Allele frequency attached by ClinVar (database versions not stated): gnomAD 0.00001; gnomAD exomes below 0.00001; TOPMed below 0.00001.
gnomAD v4.1: 2 of 1,612,922 alleles (0.00012%); highest among the groups gnomAD compares: Non-Finnish European, 0.00017%; no homozygotes.

Submission:

Labcorp Genetics (formerly Invitae), Labcorp
Classification: Uncertain significance for Progressive myoclonic epilepsy type 9; Lipodystrophy, partial, acquired, susceptibility to. Last evaluated: 2025-06-18. Review status: criteria provided, single submitter. Criteria: Invitae Variant Classification Sherloc (09022015). Collection method: clinical testing. Allele origin: germline.
Comment: This sequence change replaces lysine, which is basic and polar, with methionine, which is neutral and non-polar, at codon 186 of the LMNB2 protein (p.Lys186Met). This variant is not present in population databases (gnomAD no frequency). This variant has not been reported in the literature in individuals affected with LMNB2-related conditions. ClinVar contains an entry for this variant (Variation ID: 1387321). An algorithm developed to predict the effect of missense changes on protein structure and function (PolyPhen-2) suggests that this variant is likely to be disruptive. In summary, the available evidence is currently insufficient to determine the role of this variant in disease. Therefore, it has been classified as a Variant of Uncertain Significance.